The following is an entry in ClinVar:

NM_006766.5(KAT6A):c.442C>T (p.Arg148Ter)

Gene: KAT6A (lysine acetyltransferase 6A; minus strand). Cytogenetic location: 8p11.21.
Variant type: single nucleotide variant.
Coding change: c.442C>T on transcript NM_006766.5 (MANE Select); coding-DNA position 442, C replaced by T.
Protein change: p.Arg148Ter; replaces arginine 148 with a stop codon.
Molecular consequence: nonsense.
Genome position (GRCh38, 1-based): chr8:42,048,536, G>A on the plus strand (C>T on the coding strand, the complement: KAT6A is on the minus strand). VCF-style: chr8-42048536-G-A. GRCh37 (hg19) VCF-style: chr8-41906054-G-A.
Other names: c.442C>T, p.Arg148Ter (NM_001305878.2); short protein forms R148*.
Identifiers: ClinVar variation 589472 (VCV000589472.6), dbSNP rs759900272, ClinGen allele CA371174662.
Genomic context (GRCh38, chr8:42,048,536, plus strand): 5'-GATAAAGAGGTCCATCTTTAAGGAGTCTGCCGTGGCCAATGGCACGTTTGATAGCCAATC[G>A]TAACTGCTGGTGAAAGCCAGAGGCAGCACTGCCTCCGAATAATGCAGACACATCCTTCTG-3'

ClinVar aggregate classification (germline): Pathogenic. Review status: criteria provided, multiple submitters, no conflicts (2 of 4 stars). 2 submissions from 2 submitters: Pathogenic (2). Last evaluated 2024-10-24.

Conditions:
Inborn genetic diseases. Identifiers: MedGen C0950123, MeSH D030342.

Submissions (2):

GeneDx
Classification: Pathogenic. Last evaluated: 2024-10-24. Review status: criteria provided, single submitter. Criteria: GeneDx Variant Classification Process June 2021. Collection method: clinical testing. Allele origin: germline. Affected: yes.
Comment: Nonsense variant predicted to result in protein truncation or nonsense mediated decay in a gene for which loss of function is a known mechanism of disease; Not observed at significant frequency in large population cohorts (gnomAD); Has not been previously published as pathogenic or benign to our knowledge

Ambry Genetics
Classification: Pathogenic for Inborn genetic diseases. Last evaluated: 2018-08-13. Review status: criteria provided, single submitter. Criteria: Ambry Variant Classification Scheme 2023. Collection method: clinical testing. Allele origin: germline.
Comment: The p.R148* pathogenic mutation (also known as c.442C>T), located in coding exon 1 of the KAT6A gene, results from a C to T substitution at nucleotide position 442. This changes the amino acid from an arginine to a stop codon within coding exon 1. This alteration is expected to result in loss of function by premature protein truncation or nonsense-mediated mRNA decay. As such, this alteration is interpreted as a disease-causing mutation.